The following is an entry in ClinVar:

ClinVar aggregate classification (germline): Uncertain significance (1 of 4 stars; one submission).

Conditions:
Inborn genetic diseases. Identifiers: MedGen C0950123, MeSH D030342.

Allele frequency attached by ClinVar (database versions not stated): TOPMed below 0.00001; gnomAD 0.00001; gnomAD exomes 0.00001.
gnomAD v4.1: 7 of 1,603,626 alleles (0.00044%); highest among the groups gnomAD compares: East Asian, 0.0022%; no homozygotes.

Submission:

Ambry Genetics
Classification: Uncertain significance for Inborn genetic diseases. Last evaluated: 2024-02-04. Review status: criteria provided, single submitter. Criteria: Ambry Variant Classification Scheme 2023. Collection method: clinical testing. Allele origin: germline.
Comment: The p.Q2490H variant (also known as c.7470A>C), located in coding exon 51 of the LRRK2 gene, results from an A to C substitution at nucleotide position 7470. The glutamine at codon 2490 is replaced by histidine, an amino acid with highly similar properties. This amino acid position is conserved. In addition, this alteration is predicted to be tolerated by in silico analysis. Since supporting evidence is limited at this time, the clinical significance of this alteration remains unclear.

NM_198578.4(LRRK2):c.7470A>C (p.Gln2490His)

Gene: LRRK2 (leucine rich repeat kinase 2; plus strand). Cytogenetic location: 12q12.
Variant type: single nucleotide variant.
Coding change: c.7470A>C on transcript NM_198578.4 (MANE Select); coding-DNA position 7470, A replaced by C.
Protein change: p.Gln2490His; replaces glutamine 2490 with histidine.
Molecular consequence: missense variant.
Genome position (GRCh38, 1-based): chr12:40,367,651, A>C. VCF-style: chr12-40367651-A-C. GRCh37 (hg19) VCF-style: chr12-40761453-A-C.
Other names: short protein forms Q2490H.
Identifiers: ClinVar variation 1759057 (VCV001759057.2), dbSNP rs1433224967, ClinGen allele CA384416010.